The following is an entry in ClinVar:

NM_001080467.3(MYO5B):c.858C>G (p.Phe286Leu)

Gene: MYO5B (myosin VB; minus strand). Cytogenetic location: 18q21.1.
Variant type: single nucleotide variant.
Coding change: c.858C>G on transcript NM_001080467.3 (MANE Select); coding-DNA position 858, C replaced by G.
Protein change: p.Phe286Leu; replaces phenylalanine 286 with leucine.
Molecular consequence: missense variant.
Genome position (GRCh38, 1-based): chr18:49,984,806, G>C on the plus strand (C>G on the coding strand, the complement: MYO5B is on the minus strand). VCF-style: chr18-49984806-G-C. GRCh37 (hg19) VCF-style: chr18-47511176-G-C.
Other names: short protein forms F286L.
Identifiers: ClinVar variation 4685233 (VCV004685233.1).

ClinVar aggregate classification (germline): Uncertain significance (1 of 4 stars; one submission).

Submission:

GeneDx
Classification: Uncertain significance. Last evaluated: 2025-07-10. Review status: criteria provided, single submitter. Criteria: GeneDx Variant Classification Process June 2021. Collection method: clinical testing. Allele origin: germline. Affected: yes.
Comment: Not observed at significant frequency in large population cohorts (gnomAD); In silico analysis suggests that this missense variant does not alter protein structure/function; Has not been previously published as pathogenic or benign to our knowledge